The following is an entry in ClinVar:

NM_005996.4(TBX3):c.1762A>G (p.Met588Val)

Gene: TBX3 (T-box transcription factor 3; minus strand). Cytogenetic location: 12q24.21.
Variant type: single nucleotide variant.
Coding change: c.1762A>G on transcript NM_005996.4 (MANE Select); coding-DNA position 1762, A replaced by G.
Protein change: p.Met588Val; replaces methionine 588 with valine.
Molecular consequence: missense variant.
Genome position (GRCh38, 1-based): chr12:114,672,251, T>C on the plus strand (A>G on the coding strand, the complement: TBX3 is on the minus strand). VCF-style: chr12-114672251-T-C. GRCh37 (hg19) VCF-style: chr12-115110056-T-C.
Other names: c.1822A>G, p.Met608Val (NM_016569.4); c.1822A>G (NM_016569.3); short protein forms M588V, M608V.
Identifiers: ClinVar variation 2181209 (VCV002181209.6), dbSNP rs755321111, ClinGen allele CA244141840.

ClinVar aggregate classification (germline): Uncertain significance. Review status: criteria provided, single submitter (1 of 4 stars). 2 submissions from 2 submitters: Uncertain significance (1). 1 of the submissions does not count toward it. Last evaluated 2023-01-07.

Conditions:
TBX3-related disorder. Also called: TBX3-related condition.
Ulnar-mammary syndrome (UMS). Also called: PALLISTER ULNAR-MAMMARY SYNDROME; Ulnar-mammary syndrome of Pallister; SCHINZEL SYNDROME. Identifiers: Orphanet 3138, MedGen C1866994, MONDO:0008411, OMIM 181450.

gnomAD v4.1: 25 of 1,576,336 alleles (0.0016%); highest among the groups gnomAD compares: Middle Eastern, 0.05%; no homozygotes.

Submissions (2):

Labcorp Genetics (formerly Invitae), Labcorp
Classification: Uncertain significance for Ulnar-mammary syndrome. Last evaluated: 2023-01-07. Review status: criteria provided, single submitter. Criteria: Invitae Variant Classification Sherloc (09022015). Collection method: clinical testing. Allele origin: germline.
Comment: In summary, the available evidence is currently insufficient to determine the role of this variant in disease. Therefore, it has been classified as a Variant of Uncertain Significance. Algorithms developed to predict the effect of missense changes on protein structure and function (SIFT, PolyPhen-2, Align-GVGD) all suggest that this variant is likely to be tolerated. This variant has not been reported in the literature in individuals affected with TBX3-related conditions. The frequency data for this variant in the population databases is considered unreliable, as metrics indicate poor data quality at this position in the gnomAD database. This sequence change replaces methionine, which is neutral and non-polar, with valine, which is neutral and non-polar, at codon 588 of the TBX3 protein (p.Met588Val).

PreventionGenetics, part of Exact Sciences
Classification: Uncertain significance for TBX3-related condition. Last evaluated: 2024-05-09. Review status: no assertion criteria provided. Collection method: clinical testing. Allele origin: germline. Not counted in ClinVar's aggregate classification.
Comment: The TBX3 c.1822A>G variant is predicted to result in the amino acid substitution p.Met608Val. To our knowledge, this variant has not been reported in the literature. This variant is reported in 0.0036% of alleles in individuals of Latino descent in gnomAD. At this time, the clinical significance of this variant is uncertain due to the absence of conclusive functional and genetic evidence.